The following is an entry in ClinVar:

ClinVar aggregate classification (germline): Uncertain significance (1 of 4 stars; one submission).

Allele frequency attached by ClinVar (database versions not stated): gnomAD 0.00001; TOPMed 0.00001.
gnomAD v4.1: 1 of 1,449,258 alleles (0.000069%); highest among the groups gnomAD compares: African/African-American, 0.0014%; no homozygotes.

Submission:

Labcorp Genetics (formerly Invitae), Labcorp
Classification: Uncertain significance. Last evaluated: 2022-08-05. Review status: criteria provided, single submitter. Criteria: Invitae Variant Classification Sherloc (09022015). Collection method: clinical testing. Allele origin: germline.
Comment: In summary, the available evidence is currently insufficient to determine the role of this variant in disease. Therefore, it has been classified as a Variant of Uncertain Significance. Algorithms developed to predict the effect of missense changes on protein structure and function (SIFT, PolyPhen-2, Align-GVGD) all suggest that this variant is likely to be tolerated. This variant has not been reported in the literature in individuals affected with FLVCR1-related conditions. This variant is present in population databases (no rsID available, gnomAD 0.02%). This sequence change replaces alanine, which is neutral and non-polar, with proline, which is neutral and non-polar, at codon 19 of the FLVCR1 protein (p.Ala19Pro).

NM_014053.4(FLVCR1):c.55G>C (p.Ala19Pro)

Gene: FLVCR1 (FLVCR choline and heme transporter 1; plus strand). Cytogenetic location: 1q32.3.
Variant type: single nucleotide variant.
Coding change: c.55G>C on transcript NM_014053.4 (MANE Select); coding-DNA position 55, G replaced by C.
Protein change: p.Ala19Pro; replaces alanine 19 with proline.
Molecular consequence: missense variant.
Genome position (GRCh38, 1-based): chr1:212,858,507, G>C. VCF-style: chr1-212858507-G-C. GRCh37 (hg19) VCF-style: chr1-213031849-G-C.
Other names: short protein forms A19P.
Identifiers: ClinVar variation 1713737 (VCV001713737.5), dbSNP rs1334605952, ClinGen allele CA344795089.